The following is an entry in ClinVar:

NM_005458.8(GABBR2):c.397G>A (p.Gly133Ser)

Gene: GABBR2 (gamma-aminobutyric acid type B receptor subunit 2; minus strand). Cytogenetic location: 9q22.33.
Variant type: single nucleotide variant.
Coding change: c.397G>A on transcript NM_005458.8 (MANE Select); coding-DNA position 397, G replaced by A.
Protein change: p.Gly133Ser; replaces glycine 133 with serine.
Molecular consequence: missense variant.
Genome position (GRCh38, 1-based): chr9:98,577,997, C>T on the plus strand (G>A on the coding strand, the complement: GABBR2 is on the minus strand). VCF-style: chr9-98577997-C-T. GRCh37 (hg19) VCF-style: chr9-101340279-C-T.
Other names: short protein forms G133S.
Identifiers: ClinVar variation 2662123 (VCV002662123.2), dbSNP rs2490139591, ClinGen allele CA374350090.

ClinVar aggregate classification (germline): Uncertain significance (1 of 4 stars; one submission).

Submission:

GeneDx
Classification: Uncertain significance. Last evaluated: 2023-12-07. Review status: criteria provided, single submitter. Criteria: GeneDx Variant Classification Process June 2021. Collection method: clinical testing. Allele origin: germline.
Comment: Not observed at significant frequency in large population cohorts (gnomAD); In silico analysis supports that this missense variant has a deleterious effect on protein structure/function; Has not been previously published as pathogenic or benign to our knowledge